The following is an entry in ClinVar:

ClinVar aggregate classification (germline): Benign (1 of 4 stars; one submission).

Allele frequency attached by ClinVar (database versions not stated): 1000 Genomes Project 30x 0.59557; 1000 Genomes Project 0.60024; gnomAD 0.63565 and 0.63596.

Submission:

GeneDx
Classification: Benign. Last evaluated: 2018-06-14. Review status: criteria provided, single submitter. Criteria: GeneDx Variant Classification (06012015). Collection method: clinical testing. Allele origin: germline. Affected: yes.
Comment: This variant is considered likely benign or benign based on one or more of the following criteria: it is a conservative change, it occurs at a poorly conserved position in the protein, it is predicted to be benign by multiple in silico algorithms, and/or has population frequency not consistent with disease.

NM_012470.4(TNPO3):c.396-246_396-245insA

Gene: TNPO3 (transportin 3; minus strand). Cytogenetic location: 7q32.1.
Variant type: Insertion.
Coding change: c.396-246_396-245insA on transcript NM_012470.4 (MANE Select); 246 bases into the intron before coding-DNA position 396 through 245 bases into the intron before coding-DNA position 396, A inserted.
Molecular consequence: intron variant.
Genome position: GRCh38 VCF-style: chr7-129015380-A-AT. GRCh37 (hg19) VCF-style: chr7-128655434-A-AT.
Other names: c.396-246_396-245insA (NM_001382221.1, NM_001382222.1, NM_001382219.1 and 5 more transcripts); c.477-246_477-245insA (NM_001382217.1).
Identifiers: ClinVar variation 670770 (VCV000670770.1), dbSNP rs35451473, ClinGen allele CA166224171.
Genomic context (GRCh38, chr7:129,015,380, plus strand): 5'-ATTCAATGAAACATAGCCATTATAATGAACATGATATCTATATGTCCTAACATGAAAAAA[A>AT]GTCCATAATGTAGTAAGTGAAAAACATGTATGAAACATATTGAATATGGGTGAACAAATA-3'